The following is an entry in ClinVar:

ClinVar aggregate classification (germline): Uncertain significance. Review status: criteria provided, multiple submitters, no conflicts (2 of 4 stars). 2 submissions from 2 submitters: Uncertain significance (2). Last evaluated 2025-10-21.

Conditions:
Inborn genetic diseases. Identifiers: MedGen C0950123, MeSH D030342.

Allele frequency attached by ClinVar (database versions not stated): ExAC 0.00007; TOPMed 0.00010; gnomAD 0.00011; ESP Exome Variant Server 0.00023; gnomAD exomes 0.00024.
gnomAD v4.1: 364 of 1,613,984 alleles (0.023%); highest among the groups gnomAD compares: Non-Finnish European, 0.029%; no homozygotes.

Submissions (2):

Labcorp Genetics (formerly Invitae), Labcorp
Classification: Uncertain significance. Last evaluated: 2025-10-21. Review status: criteria provided, single submitter. Criteria: Invitae Variant Classification Sherloc (09022015). Collection method: clinical testing. Allele origin: germline.
Comment: This sequence change replaces glycine, which is neutral and non-polar, with arginine, which is basic and polar, at codon 723 of the INTU protein (p.Gly723Arg). This variant is present in population databases (rs201927152, gnomAD 0.02%). This variant has not been reported in the literature in individuals affected with INTU-related conditions. ClinVar contains an entry for this variant (Variation ID: 2200376). Invitae Evidence Modeling of protein sequence and biophysical properties (such as structural, functional, and spatial information, amino acid conservation, physicochemical variation, residue mobility, and thermodynamic stability) indicates that this missense variant is not expected to disrupt INTU protein function with a negative predictive value of 80%. In summary, the available evidence is currently insufficient to determine the role of this variant in disease. Therefore, it has been classified as a Variant of Uncertain Significance.

Ambry Genetics
Classification: Uncertain significance for Inborn genetic diseases. Last evaluated: 2024-10-01. Review status: criteria provided, single submitter. Criteria: Ambry Variant Classification Scheme 2023. Collection method: clinical testing. Allele origin: germline.

NM_015693.4(INTU):c.2167G>A (p.Gly723Arg)

Gene: INTU (inturned planar cell polarity protein; plus strand). Cytogenetic location: 4q28.1.
Variant type: single nucleotide variant.
Coding change: c.2167G>A on transcript NM_015693.4 (MANE Select); coding-DNA position 2167, G replaced by A.
Protein change: p.Gly723Arg; replaces glycine 723 with arginine.
Molecular consequence: missense variant.
Genome position (GRCh38, 1-based): chr4:127,706,865, G>A. VCF-style: chr4-127706865-G-A. GRCh37 (hg19) VCF-style: chr4-128628020-G-A.
Other names: c.2167G>A (NM_015693.3); short protein forms G723R.
Identifiers: ClinVar variation 2200376 (VCV002200376.5), dbSNP rs201927152, ClinGen allele CA3075260.